The following is an entry in ClinVar:

NM_002474.3(MYH11):c.4104T>C (p.Thr1368=)

Genes: MYH11 (myosin heavy chain 11; minus strand), NDE1 (nudE neurodevelopment protein 1; plus strand). Cytogenetic location: 16p13.11.
Variant type: single nucleotide variant.
Coding change: c.4104T>C on transcript NM_002474.3 (MANE Select); coding-DNA position 4104, T replaced by C.
Protein change: p.Thr1368=; no amino-acid change (threonine 1368 retained).
Molecular consequence: synonymous variant. On other transcripts: 3 prime UTR variant (2).
Genome position (GRCh38, 1-based): chr16:15,724,659, A>G on the plus strand (T>C on the coding strand, the complement: MYH11 is on the minus strand). VCF-style: chr16-15724659-A-G. GRCh37 (hg19) VCF-style: chr16-15818516-A-G.
Other names: c.4125T>C, p.Thr1375= (NM_001040113.2, NM_001040114.2); c.*408A>G (NM_001143979.2, NM_017668.3); c.4104T>C, p.Thr1368= (NM_022844.3).
Identifiers: ClinVar variation 3073512 (VCV003073512.1), dbSNP rs2506143570, ClinGen allele CA494087971.

ClinVar aggregate classification (germline): Likely benign (1 of 4 stars; one submission).

Conditions:
Familial thoracic aortic aneurysm and aortic dissection (TAAD). Also called: Thoracic aortic aneurysms and dissections. Identifiers: Orphanet 91387, MedGen C4707243, MONDO:0019625.

Allele frequency attached by ClinVar (database versions not stated): gnomAD exomes below 0.00001.
gnomAD v4.1: 1 of 1,614,078 alleles (0.000062%); highest among the groups gnomAD compares: Non-Finnish European, 0.000085%; no homozygotes.

Submission:

All of Us Research Program, National Institutes of Health
Classification: Likely benign for Familial thoracic aortic aneurysm and aortic dissection. Last evaluated: 2023-10-02. Review status: criteria provided, single submitter. Criteria: ACMG Guidelines, 2015. Collection method: clinical testing. Allele origin: germline. Inheritance: Autosomal dominant inheritance. Observed: 1 variant allele, 1 heterozygote.
Comment: This study involves interpretation of variants in research participants for the purpose of population health screening. Participant phenotype was not available at the time of variant classification. Additional details can be found in publication PMID: 35346344, PMCID: PMC8962531